The following is an entry in ClinVar:

ClinVar aggregate classification (germline): Uncertain significance (1 of 4 stars; one submission).

gnomAD v4.1: 1 of 1,614,188 alleles (0.000062%); highest among the groups gnomAD compares: Non-Finnish European, 0.000085%; no homozygotes.

Submission:

Labcorp Genetics (formerly Invitae), Labcorp
Classification: Uncertain significance. Last evaluated: 2025-12-16. Review status: criteria provided, single submitter. Criteria: Invitae Variant Classification Sherloc (09022015). Collection method: clinical testing. Allele origin: germline.
Comment: This sequence change replaces glutamic acid, which is acidic and polar, with glutamine, which is neutral and polar, at codon 154 of the TNFAIP3 protein (p.Glu154Gln). This variant is not present in population databases (gnomAD no frequency). This variant has not been reported in the literature in individuals affected with TNFAIP3-related conditions. Invitae Evidence Modeling of protein sequence and biophysical properties (such as structural, functional, and spatial information, amino acid conservation, physicochemical variation, residue mobility, and thermodynamic stability) indicates that this missense variant is not expected to disrupt TNFAIP3 protein function with a negative predictive value of 80%. In summary, the available evidence is currently insufficient to determine the role of this variant in disease. Therefore, it has been classified as a Variant of Uncertain Significance.

NM_001270508.2(TNFAIP3):c.460G>C (p.Glu154Gln)

Gene: TNFAIP3 (TNF alpha induced protein 3; plus strand). Cytogenetic location: 6q23.3.
Variant type: single nucleotide variant.
Coding change: c.460G>C on transcript NM_001270508.2 (MANE Select); coding-DNA position 460, G replaced by C.
Protein change: p.Glu154Gln; replaces glutamic acid 154 with glutamine.
Molecular consequence: missense variant.
Genome position (GRCh38, 1-based): chr6:137,875,009, G>C. VCF-style: chr6-137875009-G-C. GRCh37 (hg19) VCF-style: chr6-138196146-G-C.
Other names: c.460G>C, p.Glu154Gln (NM_001270507.2, NM_006290.4); short protein forms E154Q.
Identifiers: ClinVar variation 4741552 (VCV004741552.1).